The following is an entry in ClinVar:

ClinVar aggregate classification (germline): Uncertain significance. Review status: criteria provided, single submitter (1 of 4 stars). 2 submissions from 2 submitters: Uncertain significance (1). 1 of the submissions does not count toward it. Last evaluated 2025-05-26.

Conditions:
Glycogen storage disease, type II (IOPD). Also called: Glucosidase acid-1,4-alpha deficiency; CARDIOMEGALIA GLYCOGENICA DIFFUSA; GLYCOGENOSIS, GENERALIZED, CARDIAC FORM; GSD II; ACID MALTASE DEFICIENCY, INFANTILE-ONSET; POMPE DISEASE, INFANTILE-ONSET. Identifiers: Orphanet 365, MedGen C0017921, MONDO:0009290, OMIM 232300.

gnomAD v4.1: 11 of 1,586,950 alleles (0.00069%); highest among the groups gnomAD compares: South Asian, 0.0046%; no homozygotes.

Submissions (2):

Labcorp Genetics (formerly Invitae), Labcorp
Classification: Uncertain significance for Glycogen storage disease, type II. Last evaluated: 2025-05-26. Review status: criteria provided, single submitter. Criteria: Invitae Variant Classification Sherloc (09022015). Collection method: clinical testing. Allele origin: germline.
Comment: This sequence change replaces alanine, which is neutral and non-polar, with threonine, which is neutral and polar, at codon 724 of the GAA protein (p.Ala724Thr). The frequency data for this variant in the population databases is considered unreliable, as metrics indicate poor data quality at this position in the gnomAD database. This variant has not been reported in the literature in individuals affected with GAA-related conditions. ClinVar contains an entry for this variant (Variation ID: 1054138). Invitae Evidence Modeling of protein sequence and biophysical properties (such as structural, functional, and spatial information, amino acid conservation, physicochemical variation, residue mobility, and thermodynamic stability) indicates that this missense variant is expected to disrupt GAA protein function with a positive predictive value of 95%. In summary, the available evidence is currently insufficient to determine the role of this variant in disease. Therefore, it has been classified as a Variant of Uncertain Significance.

Natera, Inc.
Classification: Uncertain significance for Glycogen storage disease type II. Last evaluated: 2020-03-18. Review status: no assertion criteria provided. Collection method: clinical testing. Allele origin: germline. Not counted in ClinVar's aggregate classification.

NM_000152.5(GAA):c.2170G>A (p.Ala724Thr)

Gene: GAA (alpha glucosidase; plus strand). Cytogenetic location: 17q25.3.
Variant type: single nucleotide variant.
Coding change: c.2170G>A on transcript NM_000152.5 (MANE Select); coding-DNA position 2170, G replaced by A.
Protein change: p.Ala724Thr; replaces alanine 724 with threonine.
Molecular consequence: missense variant.
Genome position (GRCh38, 1-based): chr17:80,113,347, G>A. VCF-style: chr17-80113347-G-A. GRCh37 (hg19) VCF-style: chr17-78087146-G-A.
Other names: c.2170G>A, p.Ala724Thr (NM_001079803.3, NM_001079804.3); short protein forms A724T.
Identifiers: ClinVar variation 1054138 (VCV001054138.9), dbSNP rs1393059819, ClinGen allele CA401370627.